The following is an entry in ClinVar:

ClinVar aggregate classification (germline): Conflicting classifications of pathogenicity. Review status: criteria provided, conflicting classifications (1 of 4 stars). 6 submissions from 6 submitters: Uncertain significance (5); Likely benign (1). Last evaluated 2026-07-31.

Conditions:
Alport syndrome. Also called: Hemorrhagic familial nephritis; Hemorrhagic hereditary nephritis; Congenital hereditary hematuria. Identifiers: Orphanet 63, MedGen C1567741, MONDO:0018965.
Autosomal recessive Alport syndrome (ATS2). Also called: ALPORT SYNDROME 2, AUTOSOMAL RECESSIVE; COL4A4 Alport Syndrome and Thin Basement Membrane Nephropathy; COL4A3-Related Nephropathy; Alport syndrome type 2. Identifiers: Orphanet 63, Orphanet 88919, MedGen C4746745, MONDO:0008762, OMIM 203780.

Allele frequency attached by ClinVar (database versions not stated): ExAC 0.00006; gnomAD exomes 0.00007; 1000 Genomes Project 30x 0.00016; ESP Exome Variant Server 0.00017; gnomAD 0.00019 and 0.00021; 1000 Genomes Project 0.00020; TOPMed 0.00028.
gnomAD v4.1: 93 of 1,609,022 alleles (0.0058%); highest among the groups gnomAD compares: African/African-American, 0.084%; no homozygotes.

Submissions (6):

Myriad Genetics, Inc.
Classification: Uncertain significance for Alport syndrome. Last evaluated: 2026-07-31. Review status: criteria provided, single submitter. Criteria: Myriad Autosomal Dominant, Autosomal Recessive and X-Linked Classification Criteria (2023). Collection method: clinical testing. Allele origin: unknown.
Comment: NM_000092.4(COL4A4):c.865C>T(R289C) is a missense variant classified as a variant of uncertain significance in the context of Alport syndrome, COL4A4-related. R289C has been observed in a case with relevant disease (PMID: 39468051). Relevant functional assessments of this variant are not available in the literature. R289C has been observed in referenced population frequency databases. In summary, there is insufficient evidence to classify NM_000092.4(COL4A4):c.865C>T(R289C) as pathogenic or benign. Please note: this variant was assessed in the context of healthy population screening.

Labcorp Genetics (formerly Invitae), Labcorp
Classification: Likely benign. Last evaluated: 2026-01-19. Review status: criteria provided, single submitter. Criteria: Invitae Variant Classification Sherloc (09022015). Collection method: clinical testing. Allele origin: germline.

GeneDx
Classification: Uncertain significance. Last evaluated: 2025-04-29. Review status: criteria provided, single submitter. Criteria: GeneDx Variant Classification Process June 2021. Collection method: clinical testing. Allele origin: germline. Affected: yes.
Comment: In silico analysis indicates that this missense variant does not alter protein structure/function; Has not been previously published as pathogenic or benign to our knowledge; Occurs in the triple helical domain at the X position in the canonical Gly-X-Y repeat; although this variant may have an effect on normal protein folding and function, missense substitution at the X position is not a common mechanism of disease

Illumina Laboratory Services, Illumina
Classification: Uncertain significance for Autosomal recessive Alport syndrome. Last evaluated: 2022-03-24. Review status: criteria provided, single submitter. Criteria: ICSLVariantClassificationCriteria RUGD 01 April 2020. Collection method: clinical testing. Allele origin: unknown.
Comment: The COL4A4 c.865C>T (p.Arg289Cys) missense variant results in the substitution of arginine at amino acid position 289 with cysteine. To our knowledge, this variant has not been reported in the peer-reviewed literature. The highest frequency of this allele in the Genome Aggregation Database is 0.000662 in the African/African American population (version 2.1.1). Based on the available evidence, the c.865C> T (p.Arg289Cys) variant is classified as a variant of uncertain significance for Alport syndrome.

Revvity Omics, Revvity
Classification: Uncertain significance. Last evaluated: 2019-10-03. Review status: criteria provided, single submitter. Criteria: ACMG Guidelines, 2015. Collection method: clinical testing. Allele origin: germline.

Baylor Genetics
Classification: Uncertain significance for Autosomal recessive Alport syndrome. Last evaluated: 2018-06-20. Review status: criteria provided, single submitter. Criteria: ACMG Guidelines, 2015. Collection method: clinical testing. Allele origin: maternal. Affected: yes.
Comment: This variant was determined to be of uncertain significance according to ACMG Guidelines, 2015 [PMID:25741868].

Literature cited by the submitters: PubMed 39468051 (cited by Myriad Genetics, Inc.).

NM_000092.5(COL4A4):c.865C>T (p.Arg289Cys)

Gene: COL4A4 (collagen type IV alpha 4 chain; minus strand). Cytogenetic location: 2q36.3.
Variant type: single nucleotide variant.
Coding change: c.865C>T on transcript NM_000092.5 (MANE Select); coding-DNA position 865, C replaced by T.
Protein change: p.Arg289Cys; replaces arginine 289 with cysteine.
Molecular consequence: missense variant.
Genome position (GRCh38, 1-based): chr2:227,103,149, G>A on the plus strand (C>T on the coding strand, the complement: COL4A4 is on the minus strand). VCF-style: chr2-227103149-G-A. GRCh37 (hg19) VCF-style: chr2-227967865-G-A.
Other names: short protein forms R289C.
Identifiers: ClinVar variation 1031388 (VCV001031388.12), dbSNP rs371904688, ClinGen allele CA2145402.
Genomic context (GRCh38, chr2:227,103,149, plus strand): 5'-AGTTAAGATAGTACATCACACAAATGAAAAAAAAAAAGGTACTTAAATAAACTACCTTGC[G>A]TCCTGGTGGTCCTGGCAGTCCAACCATTCCAGGAATTCCTTTTATACCCTAAAAATTACA-3'
Protein context (NP_000083.3, residues 279-299): GMVGLPGPPG[Arg289Cys]KGESGIGAKG